The following is an entry in ClinVar:

ClinVar aggregate classification (germline): Uncertain significance. Review status: criteria provided, multiple submitters, no conflicts (2 of 4 stars). 2 submissions from 2 submitters: Uncertain significance (2). Last evaluated 2026-03-10.

Conditions:
POLD1-related polyposis and colorectal cancer syndrome (CRCS10). Also called: Colorectal cancer 10; COLORECTAL CANCER, SUSCEPTIBILITY TO, ON CHROMOSOME 19q; Colorectal cancer, susceptibility to, 10. Identifiers: Orphanet 220460, MedGen C2675481, MONDO:0012953, OMIM 612591.
Hereditary cancer-predisposing syndrome. Also called: Tumor predisposition; Hereditary Cancer Syndrome; Hereditary neoplastic syndrome; Neoplastic Syndromes, Hereditary. Identifiers: Orphanet 140162, MedGen C0027672, MeSH D009386, MONDO:0015356.

Submissions (2):

Ambry Genetics
Classification: Uncertain significance for Hereditary cancer-predisposing syndrome. Last evaluated: 2026-03-10. Review status: criteria provided, single submitter. Criteria: Ambry Variant Classification Scheme 2023. Collection method: clinical testing. Allele origin: germline.
Comment: The c.3300dupA variant, located in coding exon 26 of the POLD1 gene, results from a duplication of A at nucleotide position 3300, causing a translational frameshift with a predicted alternate stop codon (p.P1101Tfs*5). This variant occurs at the 3' terminus of the gene and is not expected to trigger nonsense-mediated mRNA decay. Based on the available evidence, the clinical significance of this variant remains unclear.

Labcorp Genetics (formerly Invitae), Labcorp
Classification: Uncertain significance for Colorectal cancer 10. Last evaluated: 2019-07-22. Review status: criteria provided, single submitter. Criteria: Invitae Variant Classification Sherloc (09022015). Collection method: clinical testing. Allele origin: germline.
Comment: This sequence change results in a premature translational stop signal in the POLD1 gene (p.Pro1101Thrfs*5). While this is not anticipated to result in nonsense mediated decay, it is expected to disrupt the last 7 amino acids of the POLD1 protein. This variant is not present in population databases (ExAC no frequency). This variant has not been reported in the literature in individuals with POLD1-related conditions. Missense variants that disrupt the 3'-5' exonuclease (proof-reading) activity of the POLD1 protein, while not abolishing its polymerase enzyme activity, are associated with an increased risk for colonic adenomatous polyps and colon cancer (PMID: 23263490, 23447401). Loss-of-function variants, which result in an absent or severely disrupted POLD1 protein, are therefore unlikely to be associated with disease. Without further clinical and genetic evidence, however, this variant has been classified as a Variant of Uncertain Significance.

Literature cited by the submitters: PubMed 23263490 (cited by Labcorp Genetics (formerly Invitae), Labcorp); PubMed 23447401 (cited by Labcorp Genetics (formerly Invitae), Labcorp).

NM_002691.4(POLD1):c.3300dup (p.Pro1101fs)

Gene: POLD1 (DNA polymerase delta 1, catalytic subunit; plus strand). Cytogenetic location: 19q13.33.
Variant type: Duplication.
Coding change: c.3300dup on transcript NM_002691.4 (MANE Select); coding-DNA position 3300, one base duplicated (A; older notation c.3300dupA).
Protein change: p.Pro1101fs; shifts the reading frame from proline 1101.
Molecular consequence: frameshift variant. On other transcripts: non-coding transcript variant (1).
Genome position (GRCh38, 1-based): chr19:50,417,923, A duplicated. VCF-style (leftmost placement, unchanged base first): chr19-50417922-G-GA. GRCh37 (hg19) VCF-style: chr19-50921179-G-GA.
Other names: c.3300dup, p.Pro1101fs (NM_001256849.1); c.3378dup, p.Pro1127fs (NM_001308632.1); c.3300dupA (NM_002691.2); short protein forms P1101fs, P1127fs.
Identifiers: ClinVar variation 956198 (VCV000956198.2), dbSNP rs1689876875, ClinGen allele CA1139666574.